The following is an entry in ClinVar:

NM_005188.4(CBL):c.195+10C>A

Gene: CBL (Cbl proto-oncogene; plus strand). Cytogenetic location: 11q23.3.
Variant type: single nucleotide variant.
Coding change: c.195+10C>A on transcript NM_005188.4 (MANE Select); 10 bases into the intron after coding-DNA position 195, C replaced by A.
Molecular consequence: intron variant.
Genome position (GRCh38, 1-based): chr11:119,206,622, C>A. VCF-style: chr11-119206622-C-A. GRCh37 (hg19) VCF-style: chr11-119077332-C-A.
Identifiers: ClinVar variation 240120 (VCV000240120.10), dbSNP rs878854755, ClinGen allele CA10582877.

ClinVar aggregate classification (germline): Likely benign. Review status: criteria provided, single submitter (1 of 4 stars). 2 submissions from 2 submitters: Likely benign (1). 1 of the submissions does not count toward it. Last evaluated 2025-06-02.

Conditions:
CBL-related disorder. Also called: NOONAN SYNDROME-LIKE DISORDER WITHOUT JUVENILE MYELOMONOCYTIC LEUKEMIA; CBL MUTATION-ASSOCIATED SYNDROME; CBL SYNDROME. Identifiers: Orphanet 363972, MedGen C3150803, MONDO:0013308, OMIM 613563.
RASopathy. Also called: rasopathies; Noonan spectrum disorder. Identifiers: Orphanet 536391, MedGen C5555857, MONDO:0021060.

Allele frequency attached by ClinVar (database versions not stated): TOPMed 0.00001; gnomAD 0.00002.
gnomAD v4.1: 25 of 1,543,848 alleles (0.0016%); highest among the groups gnomAD compares: South Asian, 0.016%; no homozygotes.

Submissions (2):

Labcorp Genetics (formerly Invitae), Labcorp
Classification: Likely benign for RASopathy. Last evaluated: 2025-06-02. Review status: criteria provided, single submitter. Criteria: Invitae Variant Classification Sherloc (09022015). Collection method: clinical testing. Allele origin: germline.

PreventionGenetics, part of Exact Sciences
Classification: Likely benign for CBL-related condition. Last evaluated: 2024-07-29. Review status: no assertion criteria provided. Collection method: clinical testing. Allele origin: germline. Not counted in ClinVar's aggregate classification.
Comment: This variant is classified as likely benign based on ACMG/AMP sequence variant interpretation guidelines (Richards et al. 2015 PMID: 25741868, with internal and published modifications).